The following is an entry in ClinVar:

NM_139276.3(STAT3):c.1966G>C (p.Gly656Arg)

Gene: STAT3 (signal transducer and activator of transcription 3; minus strand). Cytogenetic location: 17q21.2.
Variant type: single nucleotide variant.
Coding change: c.1966G>C on transcript NM_139276.3 (MANE Select); coding-DNA position 1966, G replaced by C.
Protein change: p.Gly656Arg; replaces glycine 656 with arginine.
Molecular consequence: missense variant.
Genome position (GRCh38, 1-based): chr17:42,322,417, C>G on the plus strand (G>C on the coding strand, the complement: STAT3 is on the minus strand). VCF-style: chr17-42322417-C-G. GRCh37 (hg19) VCF-style: chr17-40474435-C-G.
Other names: c.1966G>C, p.Gly656Arg (NM_001369512.1, NM_001384988.1, NM_001384993.1 and 9 more transcripts); c.1945G>C, p.Gly649Arg (NM_001384987.1); c.1870G>C, p.Gly624Arg (NM_001384989.1); c.1981G>C, p.Gly661Arg (NM_001384990.1, NM_001384986.1); c.1939G>C, p.Gly647Arg (NM_001384991.1); c.1906G>C, p.Gly636Arg (NM_001384992.1); c.1882G>C, p.Gly628Arg (NM_001384984.1); c.1888G>C, p.Gly630Arg (NM_001384985.1); short protein forms G624R, G628R, G630R, G636R, G647R, G649R, G656R, G661R.
Identifiers: ClinVar variation 1721445 (VCV001721445.6), dbSNP rs2144681607, ClinGen allele CA399582070.

ClinVar aggregate classification (germline): Uncertain significance (1 of 4 stars; one submission).

Conditions:
Hyper-IgE recurrent infection syndrome 1, autosomal dominant. Also called: JOB SYNDROME; Job's Syndrome; STAT3 Hyper IgE Syndrome; Hyper-IgE recurrent infection syndrome 1; HYPER-IgE SYNDROME 1, AUTOSOMAL DOMINANT, WITH RECURRENT INFECTIONS. Identifiers: Orphanet 2314, MedGen C2936739, MONDO:0007818, OMIM 147060.
STAT3 gain of function. Identifiers: MedGen C4288261.

Submission:

Labcorp Genetics (formerly Invitae), Labcorp
Classification: Uncertain significance for STAT3 gain of function; Hyper-IgE recurrent infection syndrome 1, autosomal dominant. Last evaluated: 2022-10-12. Review status: criteria provided, single submitter. Criteria: Invitae Variant Classification Sherloc (09022015). Collection method: clinical testing. Allele origin: germline.
Comment: Advanced modeling of protein sequence and biophysical properties (such as structural, functional, and spatial information, amino acid conservation, physicochemical variation, residue mobility, and thermodynamic stability) performed at Invitae indicates that this missense variant is expected to disrupt STAT3 protein function. In summary, the available evidence is currently insufficient to determine the role of this variant in disease. Therefore, it has been classified as a Variant of Uncertain Significance. This variant has not been reported in the literature in individuals affected with STAT3-related conditions. This variant is not present in population databases (gnomAD no frequency). This sequence change replaces glycine, which is neutral and non-polar, with arginine, which is basic and polar, at codon 656 of the STAT3 protein (p.Gly656Arg).